The following is an entry in ClinVar:

ClinVar aggregate classification (germline): Uncertain significance (1 of 4 stars; one submission).

Submission:

Labcorp Genetics (formerly Invitae), Labcorp
Classification: Uncertain significance. Last evaluated: 2024-06-21. Review status: criteria provided, single submitter. Criteria: Invitae Variant Classification Sherloc (09022015). Collection method: clinical testing. Allele origin: germline.
Comment: This sequence change replaces glycine, which is neutral and non-polar, with arginine, which is basic and polar, at codon 640 of the COL11A2 protein (p.Gly640Arg). This variant is not present in population databases (gnomAD no frequency). This variant has not been reported in the literature in individuals affected with COL11A2-related conditions. An algorithm developed to predict the effect of missense changes on protein structure and function (PolyPhen-2) suggests that this variant is likely to be disruptive. In summary, the available evidence is currently insufficient to determine the role of this variant in disease. Therefore, it has been classified as a Variant of Uncertain Significance.

NM_080680.3(COL11A2):c.1918G>A (p.Gly640Arg)

Gene: COL11A2 (collagen type XI alpha 2 chain; minus strand). Cytogenetic location: 6p21.32.
Variant type: single nucleotide variant.
Coding change: c.1918G>A on transcript NM_080680.3 (MANE Select); coding-DNA position 1918, G replaced by A.
Protein change: p.Gly640Arg; replaces glycine 640 with arginine.
Molecular consequence: missense variant. On other transcripts: 5 prime UTR variant (1).
Genome position (GRCh38, 1-based): chr6:33,177,465, C>T on the plus strand (G>A on the coding strand, the complement: COL11A2 is on the minus strand). VCF-style: chr6-33177465-C-T. GRCh37 (hg19) VCF-style: chr6-33145242-C-T.
Other names: c.1738G>A, p.Gly580Arg (NM_001424108.1); c.1072G>A, p.Gly358Arg (NM_001424109.1); c.892G>A, p.Gly298Arg (NM_001424110.1, NM_001424111.1); c.-129G>A (NM_001424112.1); c.1597G>A, p.Gly533Arg (NM_080679.3); c.1660G>A, p.Gly554Arg (NM_080681.3); short protein forms G298R, G358R, G533R, G554R, G640R, G580R.
Identifiers: ClinVar variation 3671539 (VCV003671539.2).